The following is an entry in ClinVar:

ClinVar aggregate classification (germline): Uncertain significance (1 of 4 stars; one submission).

Conditions:
Duchenne muscular dystrophy (DMD). Also called: MUSCULAR DYSTROPHY, PSEUDOHYPERTROPHIC PROGRESSIVE, DUCHENNE TYPE; Duchenne Muscular Dystrophy (DMD). Identifiers: Orphanet 98896, MedGen C0013264, MONDO:0010679, OMIM 310200.

Submission:

Labcorp Genetics (formerly Invitae), Labcorp
Classification: Uncertain significance for Duchenne muscular dystrophy. Last evaluated: 2024-01-22. Review status: criteria provided, single submitter. Criteria: Invitae Variant Classification Sherloc (09022015). Collection method: clinical testing. Allele origin: germline.
Comment: This sequence change replaces valine, which is neutral and non-polar, with phenylalanine, which is neutral and non-polar, at codon 2714 of the DMD protein (p.Val2714Phe). This variant is not present in population databases (gnomAD no frequency). This variant has not been reported in the literature in individuals affected with DMD-related conditions. ClinVar contains an entry for this variant (Variation ID: 1718342). Advanced modeling of protein sequence and biophysical properties (such as structural, functional, and spatial information, amino acid conservation, physicochemical variation, residue mobility, and thermodynamic stability) performed at Invitae indicates that this missense variant is not expected to disrupt DMD protein function with a negative predictive value of 95%. In summary, the available evidence is currently insufficient to determine the role of this variant in disease. Therefore, it has been classified as a Variant of Uncertain Significance.

NM_004006.3(DMD):c.8140G>T (p.Val2714Phe)

Gene: DMD (dystrophin; minus strand). Cytogenetic location: Xp21.1.
Variant type: single nucleotide variant.
Coding change: c.8140G>T on transcript NM_004006.3 (MANE Select); coding-DNA position 8140, G replaced by T.
Protein change: p.Val2714Phe; replaces valine 2714 with phenylalanine.
Molecular consequence: missense variant.
Genome position (GRCh38, 1-based): chrX:31,627,750, C>A on the plus strand (G>T on the coding strand, the complement: DMD is on the minus strand). VCF-style: chrX-31627750-C-A. GRCh37 (hg19) VCF-style: chrX-31645867-C-A.
Other names: c.8116G>T, p.Val2706Phe (NM_000109.4); c.8128G>T, p.Val2710Phe (NM_004009.3); c.7771G>T, p.Val2591Phe (NM_004010.3); c.4117G>T, p.Val1373Phe (NM_004011.4); c.4108G>T, p.Val1370Phe (NM_004012.4); c.760G>T, p.Val254Phe (NM_004013.3, NM_004020.4, NM_004021.3 and 2 more transcripts); short protein forms V1370F, V1373F, V254F, V2591F, V2706F, V2710F, V2714F.
Identifiers: ClinVar variation 1718342 (VCV001718342.6), dbSNP rs1231632354, ClinGen allele CA412657213.
Genomic context (GRCh38, chrX:31,627,750, plus strand): 5'-GCTCTTTTACTCCCTTGGAGTCTTCTAGGAGCCTTTCCTTACGGGTAGCATCCTGTAGGA[C>A]ATTGGCAGTTGTTTCAGCTTCTGTAAGCCAGGCAAGAAACTTTTCCAGGTCCAGGGGGAA-3'
Protein context (NP_003997.2, residues 2704-2724): WLTEAETTAN[Val2714Phe]LQDATRKERL